The following is an entry in ClinVar:

ClinVar aggregate classification (germline): Conflicting classifications of pathogenicity. Review status: criteria provided, conflicting classifications (1 of 4 stars). 6 submissions from 5 submitters: Uncertain significance (2); Likely benign (4). Last evaluated 2026-03-01.

Conditions:
Achromatopsia. Also called: Rod monochromatism. Identifiers: Orphanet 49382, MedGen C0152200, MONDO:0018852, HP:0011516.
Cone dystrophy 4 (COD4). Identifiers: Orphanet 49382, MedGen C2751308, MONDO:0013129, OMIM 613093.

Allele frequency attached by ClinVar (database versions not stated): 1000 Genomes Project 0.00120; 1000 Genomes Project 30x 0.00125; gnomAD 0.00218; ExAC 0.00223; TOPMed 0.00228; gnomAD exomes 0.00234 and 0.00240; ESP Exome Variant Server 0.00261.
gnomAD v4.1: 3,940 of 1,613,582 alleles (0.24%); highest among the groups gnomAD compares: Non-Finnish European, 0.24%; 14 homozygotes.

Submissions (6):

CeGaT Center for Human Genetics Tuebingen
Classification: Likely benign. Last evaluated: 2026-03-01. Review status: criteria provided, single submitter. Criteria: CeGaT Center For Human Genetics Tuebingen Variant Classification Criteria Version 2. Collection method: clinical testing. Allele origin: germline. Affected: yes. Observed: 7 variant alleles.
Comment: PDE6C: BP4, BS2

Labcorp Genetics (formerly Invitae), Labcorp
Classification: Likely benign. Last evaluated: 2026-01-28. Review status: criteria provided, single submitter. Criteria: Invitae Variant Classification Sherloc (09022015). Collection method: clinical testing. Allele origin: germline.

Blueprint Genetics
Classification: Likely benign. Last evaluated: 2024-11-14. Review status: criteria provided, single submitter. Criteria: ACMG Guidelines, 2015. Collection method: clinical testing. Allele origin: germline.

Illumina Laboratory Services, Illumina
Classification: Uncertain significance for Achromatopsia. Last evaluated: 2017-05-01. Review status: criteria provided, single submitter. Criteria: ICSL Variant Classification Criteria 13 December 2019. Collection method: clinical testing. Allele origin: germline.
Comment: This variant was observed as part of a predisposition screen in an ostensibly healthy population. A literature search was performed for the gene, cDNA change, and amino acid change (where applicable). Publications were found based on this search. However, the evidence from the literature, in combination with allele frequency data from public databases where available, was not sufficient to rule this variant in or out of causing disease. Therefore, this variant is classified as a variant of unknown significance.

Illumina Laboratory Services, Illumina
Classification: Uncertain significance for Cone dystrophy 4. Last evaluated: 2017-05-01. Review status: criteria provided, single submitter. Criteria: ICSL Variant Classification Criteria 13 December 2019. Collection method: clinical testing. Allele origin: germline.
Comment: the same text as in the submission from Illumina Laboratory Services, Illumina above.

PreventionGenetics, part of Exact Sciences
Classification: Likely benign. Review status: criteria provided, single submitter. Criteria: ACMG Guidelines, 2015. Collection method: clinical testing. Allele origin: germline.

Literature cited by the submitters: PubMed 10393054 (cited by Illumina Laboratory Services, Illumina).

NM_006204.4(PDE6C):c.2501A>G (p.Glu834Gly)

Gene: PDE6C (phosphodiesterase 6C; plus strand). Cytogenetic location: 10q23.33.
Variant type: single nucleotide variant.
Coding change: c.2501A>G on transcript NM_006204.4 (MANE Select); coding-DNA position 2501, A replaced by G.
Protein change: p.Glu834Gly; replaces glutamic acid 834 with glycine.
Molecular consequence: missense variant.
Genome position (GRCh38, 1-based): chr10:93,663,161, A>G. VCF-style: chr10-93663161-A-G. GRCh37 (hg19) VCF-style: chr10-95422918-A-G.
Other names: short protein forms E834G.
Identifiers: ClinVar variation 259945 (VCV000259945.46), dbSNP rs148661165, ClinGen allele CA5610513.